The following is an entry in ClinVar:

NM_182931.3(KMT2E):c.4068+5T>C

Gene: KMT2E (lysine methyltransferase 2E (inactive); plus strand). Cytogenetic location: 7q22.3.
Variant type: single nucleotide variant.
Coding change: c.4068+5T>C on transcript NM_182931.3 (MANE Select); 5 bases into the intron after coding-DNA position 4068, T replaced by C.
Molecular consequence: intron variant.
Genome position (GRCh38, 1-based): chr7:105,110,873, T>C. VCF-style: chr7-105110873-T-C. GRCh37 (hg19) VCF-style: chr7-104751320-T-C.
Other names: c.3942+5T>C (NM_001410908.1); c.4068+5T>C (NM_018682.4).
Identifiers: ClinVar variation 2797398 (VCV002797398.3), dbSNP rs1799212558, ClinGen allele CA457046712.
Genomic context (GRCh38, chr7:105,110,873, plus strand): 5'-GTCCATCCCCAGATACTTCTCAAAATACTTGTAAAAGTCCTCCAAAAATGAGCAAGGTAA[T>C]AACATTGACCTTTCGATGGGTTCCAAAGGACTTTAGGTTGAGTGCAGAAAAGCTGATGGT-3'

ClinVar aggregate classification (germline): Uncertain significance (1 of 4 stars; one submission).

Submission:

Labcorp Genetics (formerly Invitae), Labcorp
Classification: Uncertain significance. Last evaluated: 2023-09-24. Review status: criteria provided, single submitter. Criteria: Invitae Variant Classification Sherloc (09022015). Collection method: clinical testing. Allele origin: germline.
Comment: In summary, the available evidence is currently insufficient to determine the role of this variant in disease. Therefore, it has been classified as a Variant of Uncertain Significance. Variants that disrupt the consensus splice site are a relatively common cause of aberrant splicing (PMID: 17576681, 9536098). Algorithms developed to predict the effect of sequence changes on RNA splicing suggest that this variant is not likely to affect RNA splicing. This variant has not been reported in the literature in individuals affected with KMT2E-related conditions. This variant is not present in population databases (gnomAD no frequency). This sequence change falls in intron 26 of the KMT2E gene. It does not directly change the encoded amino acid sequence of the KMT2E protein. It affects a nucleotide within the consensus splice site.

Literature cited by the submitters: PubMed 17576681; PubMed 9536098.